The following is an entry in ClinVar:

ClinVar aggregate classification (germline): Pathogenic (1 of 4 stars; one submission).

Submission:

Seattle Children's Hospital Molecular Genetics Laboratory, Seattle Children's Hospital
Classification: Pathogenic. Last evaluated: 2020-07-09. Review status: criteria provided, single submitter. Criteria: ACMG Guidelines, 2015. Collection method: clinical testing. Allele origin: somatic. Affected: yes.
Comment: The duplication of a single nucleotide in exon 14 (of 25 total exons) is predicted to alter the reading frame and result in a loss of gene function. This is a novel variant that has not been reported in the medical literature or clinical databases (ClinVar, Human Gene Mutation Database, RASA1 database). This variant has not been observed in presumably healthy individuals (Genome Aggregation Database).

NM_002890.3(RASA1):c.1817dup (p.Val608fs)

Genes: CCNH (cyclin H; minus strand), RASA1 (RAS p21 protein activator 1; plus strand). Cytogenetic location: 5q14.3.
Variant type: Duplication.
Coding change: c.1817dup on transcript NM_002890.3 (MANE Select); coding-DNA position 1817, one base duplicated (T; older notation c.1817dupT).
Protein change: p.Val608fs; shifts the reading frame from valine 608.
Molecular consequence: frameshift variant. On other transcripts: intron variant (1).
Genome position (GRCh38, 1-based): chr5:87,374,203, T duplicated. VCF-style (leftmost placement, unchanged base first): chr5-87374202-C-CT. GRCh37 (hg19) VCF-style: chr5-86670019-C-CT.
Other names: c.1286dup, p.Val431fs (NM_022650.3); c.933+20841dup (NM_001364075.2); short protein forms V431fs, V608fs.
Identifiers: ClinVar variation 1691331 (VCV001691331.2), dbSNP rs2112484806, ClinGen allele CA2573140084.
Genomic context (GRCh38, chr5:87,374,202, plus strand): 5'-TATATATTTTTTTTTTTTTAGGTCAGCAGCCTTGTTTTACATATTGAAGAAGCCCATAAA[C>CT]TCCCAGTAAAACATTTTACTAATCCATATTGTAACATCTACCTGAATAGTGTCCAAGTAG-3'